The following is an entry in ClinVar:

ClinVar aggregate classification (germline): Uncertain significance. Review status: criteria provided, multiple submitters, no conflicts (2 of 4 stars). 3 submissions from 3 submitters: Uncertain significance (3). Last evaluated 2025-12-18.

Conditions:
Hereditary cancer-predisposing syndrome. Also called: Hereditary neoplastic syndrome; Neoplastic Syndromes, Hereditary; Tumor predisposition; Hereditary Cancer Syndrome. Identifiers: Orphanet 140162, MedGen C0027672, MeSH D009386, MONDO:0015356.
MET-related disorder. Also called: MET-related condition.
Renal cell carcinoma. Identifiers: Orphanet 217071, MedGen C0007134, MeSH D002292, MONDO:0005086, HP:0005584.

Allele frequency attached by ClinVar (database versions not stated): gnomAD exomes below 0.00001.
gnomAD v4.1: 2 of 1,614,220 alleles (0.00012%); highest among the groups gnomAD compares: Non-Finnish European, 0.000085%; no homozygotes.

Submissions (3):

Ambry Genetics
Classification: Uncertain significance for Hereditary cancer-predisposing syndrome. Last evaluated: 2025-12-18. Review status: criteria provided, single submitter. Criteria: Ambry Variant Classification Scheme 2023. Collection method: clinical testing. Allele origin: germline.
Comment: The p.H1086R variant (also known as c.3257A>G), located in coding exon 14 of the MET gene, results from an A to G substitution at nucleotide position 3257. The histidine at codon 1086 is replaced by arginine, an amino acid with highly similar properties. This amino acid position is highly conserved in available vertebrate species. In addition, this alteration is predicted to be deleterious by in silico analysis. Since supporting evidence is limited at this time, the clinical significance of this alteration remains unclear.

Labcorp Genetics (formerly Invitae), Labcorp
Classification: Uncertain significance for Renal cell carcinoma. Last evaluated: 2025-09-24. Review status: criteria provided, single submitter. Criteria: Invitae Variant Classification Sherloc (09022015). Collection method: clinical testing. Allele origin: germline.
Comment: This sequence change replaces histidine, which is basic and polar, with arginine, which is basic and polar, at codon 1086 of the MET protein (p.His1086Arg). This variant is present in population databases (rs767587065, gnomAD no frequency). This variant has not been reported in the literature in individuals affected with MET-related conditions. ClinVar contains an entry for this variant (Variation ID: 2200390). Invitae Evidence Modeling of protein sequence and biophysical properties (such as structural, functional, and spatial information, amino acid conservation, physicochemical variation, residue mobility, and thermodynamic stability) indicates that this missense variant is not expected to disrupt MET protein function with a negative predictive value of 80%. In summary, the available evidence is currently insufficient to determine the role of this variant in disease. Therefore, it has been classified as a Variant of Uncertain Significance.

PreventionGenetics, part of Exact Sciences
Classification: Uncertain significance for MET-related condition. Last evaluated: 2023-08-18. Review status: criteria provided, single submitter. Criteria: ACMG Guidelines, 2015. Collection method: clinical testing. Allele origin: germline.
Comment: The MET c.3257A>G variant is predicted to result in the amino acid substitution p.His1086Arg. To our knowledge, this variant has not been reported in the literature. This variant is reported in 0.0% of alleles in individuals of African descent in gnomAD. At this time, the clinical significance of this variant is uncertain due to the absence of conclusive functional and genetic evidence.

NM_000245.4(MET):c.3203A>G (p.His1068Arg)

Gene: MET (MET proto-oncogene, receptor tyrosine kinase; plus strand). Cytogenetic location: 7q31.2.
Variant type: single nucleotide variant.
Coding change: c.3203A>G on transcript NM_000245.4 (MANE Select); coding-DNA position 3203, A replaced by G.
Protein change: p.His1068Arg; replaces histidine 1068 with arginine.
Molecular consequence: missense variant.
Genome position (GRCh38, 1-based): chr7:116,775,055, A>G. VCF-style: chr7-116775055-A-G. GRCh37 (hg19) VCF-style: chr7-116415109-A-G.
Other names: c.3257A>G (NM_001127500.2); c.3257A>G, p.His1086Arg (NM_001127500.3); c.1913A>G, p.His638Arg (NM_001324402.2); short protein forms H638R, H1068R, H1086R.
Identifiers: ClinVar variation 2200390 (VCV002200390.8), dbSNP rs767587065, ClinGen allele CA164907016.